The following is an entry in ClinVar:

NM_020937.4(FANCM):c.5728A>G (p.Arg1910Gly)

Gene: FANCM (FA complementation group M; plus strand). Cytogenetic location: 14q21.2.
Variant type: single nucleotide variant.
Coding change: c.5728A>G on transcript NM_020937.4 (MANE Select); coding-DNA position 5728, A replaced by G.
Protein change: p.Arg1910Gly; replaces arginine 1910 with glycine.
Molecular consequence: missense variant.
Genome position (GRCh38, 1-based): chr14:45,198,655, A>G. VCF-style: chr14-45198655-A-G. GRCh37 (hg19) VCF-style: chr14-45667858-A-G.
Other names: c.5650A>G, p.Arg1884Gly (NM_001308133.2); short protein forms R1884G, R1910G.
Identifiers: ClinVar variation 3848599 (VCV003848599.1).
Genomic context (GRCh38, chr14:45,198,655, plus strand): 5'-CTTAATATTAGTTACTGAAGTTTGCCTTTCCCTAAATATGAATATTTAGGAGACACATCA[A>G]GGATGTTTAGGAGAACAAAGAGCTATGACAGCCTGCTGACTACCTTAATTGGCGCTGGAA-3'
Protein context (NP_065988.1, residues 1900-1920): KDREKTGDTS[Arg1910Gly]MFRRTKSYDS

ClinVar aggregate classification (germline): Uncertain significance (1 of 4 stars; one submission).

Conditions:
Inborn genetic diseases. Identifiers: MedGen C0950123, MeSH D030342.

gnomAD v4.1: 1 of 1,610,654 alleles (0.000062%); highest among the groups gnomAD compares: African/African-American, 0.0013%; no homozygotes.

Submission:

Ambry Genetics
Classification: Uncertain significance for Inborn genetic diseases. Last evaluated: 2025-01-08. Review status: criteria provided, single submitter. Criteria: Ambry Variant Classification Scheme 2023. Collection method: clinical testing. Allele origin: germline.
Comment: The p.R1910G variant (also known as c.5728A>G), located in coding exon 22 of the FANCM gene, results from an A to G substitution at nucleotide position 5728. The arginine at codon 1910 is replaced by glycine, an amino acid with dissimilar properties. This amino acid position is conserved. In addition, this alteration is predicted to be tolerated by in silico analysis. Based on the available evidence, the clinical significance of this variant remains unclear.